The following is an entry in ClinVar:

NM_000383.4(AIRE):c.169C>G (p.Gln57Glu)

Gene: AIRE (autoimmune regulator; plus strand). Cytogenetic location: 21q22.3.
Variant type: single nucleotide variant.
Coding change: c.169C>G on transcript NM_000383.4 (MANE Select); coding-DNA position 169, C replaced by G.
Protein change: p.Gln57Glu; replaces glutamine 57 with glutamic acid.
Molecular consequence: missense variant.
Genome position (GRCh38, 1-based): chr21:44,286,593, C>G. VCF-style: chr21-44286593-C-G. GRCh37 (hg19) VCF-style: chr21-45706476-C-G.
Other names: c.169C>G (NM_000383.2, NM_000383.3); short protein forms Q57E.
Identifiers: ClinVar variation 1058583 (VCV001058583.10), dbSNP rs200955183, ClinGen allele CA10051493.

ClinVar aggregate classification (germline): Uncertain significance. Review status: criteria provided, multiple submitters, no conflicts (2 of 4 stars). 4 submissions from 4 submitters: Uncertain significance (2). 2 of the submissions do not count toward it. Last evaluated 2025-08-09.

Conditions:
Polyglandular autoimmune syndrome, type 1 (APS1). Also called: APS I; AUTOIMMUNE POLYENDOCRINE SYNDROME, TYPE I, WITH OR WITHOUT REVERSIBLE METAPHYSEAL DYSPLASIA; HYPOADRENOCORTICISM WITH HYPOPARATHYROIDISM AND SUPERFICIAL MONILIASIS; Whitaker syndrome; Autoimmune polyendocrine syndrome type 1; Autoimmune polyendocrinopathy syndrome , type I, with or without reversible metaphyseal dysplasia. Identifiers: Orphanet 3453, MedGen C0085859, MONDO:0009411, OMIM 240300.
AIRE-related disorder. Also called: AIRE-related condition.
Inborn genetic diseases. Identifiers: MedGen C0950123, MeSH D030342.

Allele frequency attached by ClinVar (database versions not stated): gnomAD exomes 0.00005; ExAC 0.00006; gnomAD 0.00020; TOPMed 0.00022; 1000 Genomes Project 30x 0.00031; ESP Exome Variant Server 0.00038; 1000 Genomes Project 0.00040.
gnomAD v4.1: 70 of 1,612,802 alleles (0.0043%); highest among the groups gnomAD compares: African/African-American, 0.075%; no homozygotes.

Submissions (4):

Ambry Genetics
Classification: Uncertain significance for Inborn genetic diseases. Last evaluated: 2025-08-09. Review status: criteria provided, single submitter. Criteria: Ambry Variant Classification Scheme 2023. Collection method: clinical testing. Allele origin: germline.

Labcorp Genetics (formerly Invitae), Labcorp
Classification: Uncertain significance for Polyglandular autoimmune syndrome, type 1. Last evaluated: 2025-02-01. Review status: criteria provided, single submitter. Criteria: Invitae Variant Classification Sherloc (09022015). Collection method: clinical testing. Allele origin: germline.
Comment: This sequence change replaces glutamine, which is neutral and polar, with glutamic acid, which is acidic and polar, at codon 57 of the AIRE protein (p.Gln57Glu). This variant is present in population databases (rs200955183, gnomAD 0.08%). This variant has not been reported in the literature in individuals affected with AIRE-related conditions. ClinVar contains an entry for this variant (Variation ID: 1058583). Invitae Evidence Modeling of protein sequence and biophysical properties (such as structural, functional, and spatial information, amino acid conservation, physicochemical variation, residue mobility, and thermodynamic stability) has been performed for this missense variant. However, the output from this modeling did not meet the statistical confidence thresholds required to predict the impact of this variant on AIRE protein function. In summary, the available evidence is currently insufficient to determine the role of this variant in disease. Therefore, it has been classified as a Variant of Uncertain Significance.

PreventionGenetics, part of Exact Sciences
Classification: Uncertain significance for AIRE-related condition. Last evaluated: 2024-04-12. Review status: no assertion criteria provided. Collection method: clinical testing. Allele origin: germline. Not counted in ClinVar's aggregate classification.
Comment: The AIRE c.169C>G variant is predicted to result in the amino acid substitution p.Gln57Glu. To our knowledge, this variant has not been reported in the literature. This variant is reported in 0.076% of alleles in individuals of African descent in gnomAD. At this time, the clinical significance of this variant is uncertain due to the absence of conclusive functional and genetic evidence.

Natera, Inc.
Classification: Uncertain significance for Polyglandular autoimmune syndrome type 1. Last evaluated: 2020-03-02. Review status: no assertion criteria provided. Collection method: clinical testing. Allele origin: germline. Not counted in ClinVar's aggregate classification.